The following is an entry in ClinVar:

ClinVar aggregate classification (germline): Uncertain significance. Review status: criteria provided, multiple submitters, no conflicts (2 of 4 stars). 2 submissions from 2 submitters: Uncertain significance (2). Last evaluated 2025-07-15.

Conditions:
Inborn genetic diseases. Identifiers: MedGen C0950123, MeSH D030342.

Allele frequency attached by ClinVar (database versions not stated): gnomAD 0.00001; TOPMed 0.00001; gnomAD exomes 0.00002; ExAC 0.00004.
gnomAD v4.1: 34 of 1,614,046 alleles (0.0021%); highest among the groups gnomAD compares: Middle Eastern, 0.016%; no homozygotes.

Submissions (2):

Ambry Genetics
Classification: Uncertain significance for Inborn genetic diseases. Last evaluated: 2025-07-15. Review status: criteria provided, single submitter. Criteria: Ambry Variant Classification Scheme 2023. Collection method: clinical testing. Allele origin: germline.

Labcorp Genetics (formerly Invitae), Labcorp
Classification: Uncertain significance. Last evaluated: 2022-04-09. Review status: criteria provided, single submitter. Criteria: Invitae Variant Classification Sherloc (09022015). Collection method: clinical testing. Allele origin: germline.
Comment: In summary, the available evidence is currently insufficient to determine the role of this variant in disease. Therefore, it has been classified as a Variant of Uncertain Significance. Algorithms developed to predict the effect of missense changes on protein structure and function are either unavailable or do not agree on the potential impact of this missense change (SIFT: "Deleterious"; PolyPhen-2: "Possibly Damaging"; Align-GVGD: "Class C0"). This variant has not been reported in the literature in individuals affected with ERBB4-related conditions. This variant is present in population databases (rs753505906, gnomAD 0.004%). This sequence change replaces glutamic acid, which is acidic and polar, with glycine, which is neutral and non-polar, at codon 1138 of the ERBB4 protein (p.Glu1138Gly).

NM_005235.3(ERBB4):c.3413A>G (p.Glu1138Gly)

Gene: ERBB4 (erb-b2 receptor tyrosine kinase 4; minus strand). Cytogenetic location: 2q34.
Variant type: single nucleotide variant.
Coding change: c.3413A>G on transcript NM_005235.3 (MANE Select); coding-DNA position 3413, A replaced by G.
Protein change: p.Glu1138Gly; replaces glutamic acid 1138 with glycine.
Molecular consequence: missense variant.
Genome position (GRCh38, 1-based): chr2:211,386,921, T>C on the plus strand (A>G on the coding strand, the complement: ERBB4 is on the minus strand). VCF-style: chr2-211386921-T-C. GRCh37 (hg19) VCF-style: chr2-212251646-T-C.
Other names: c.3413A>G (NM_005235.2); c.3365A>G, p.Glu1122Gly (NM_001042599.2); short protein forms E1122G, E1138G.
Identifiers: ClinVar variation 1932294 (VCV001932294.4), dbSNP rs753505906, ClinGen allele CA2087449.